The following is an entry in ClinVar:

ClinVar aggregate classification (germline): Uncertain significance (1 of 4 stars; one submission).

Conditions:
Thrombophilia due to protein S deficiency, autosomal recessive (THPH6). Identifiers: Orphanet 743, MedGen C3281092, MONDO:0013791, OMIM 614514. Disease mechanism: loss of function.

Submission:

Labcorp Genetics (formerly Invitae), Labcorp
Classification: Uncertain significance for Thrombophilia due to protein S deficiency, autosomal recessive. Last evaluated: 2025-02-13. Review status: criteria provided, single submitter. Criteria: Invitae Variant Classification Sherloc (09022015). Collection method: clinical testing. Allele origin: germline.
Comment: This sequence change replaces glutamine, which is neutral and polar, with lysine, which is basic and polar, at codon 362 of the PROS1 protein (p.Gln362Lys). This variant is not present in population databases (gnomAD no frequency). This missense change has been observed in individual(s) with deep vein thrombosis and protein S deficiency (internal data). It has also been observed to segregate with disease in related individuals. ClinVar contains an entry for this variant (Variation ID: 581529). Invitae Evidence Modeling of protein sequence and biophysical properties (such as structural, functional, and spatial information, amino acid conservation, physicochemical variation, residue mobility, and thermodynamic stability) indicates that this missense variant is expected to disrupt PROS1 protein function with a positive predictive value of 80%. This variant disrupts the p.Gln362 amino acid residue in PROS1. Other variant(s) that disrupt this residue have been observed in individuals with PROS1-related conditions (PMID: 22261441), which suggests that this may be a clinically significant amino acid residue. In summary, the available evidence is currently insufficient to determine the role of this variant in disease. Therefore, it has been classified as a Variant of Uncertain Significance.

Literature cited by the submitters: PubMed 22261441.

NM_000313.4(PROS1):c.1084C>A (p.Gln362Lys)

Gene: PROS1 (protein S; minus strand). Cytogenetic location: 3q11.1.
Variant type: single nucleotide variant.
Coding change: c.1084C>A on transcript NM_000313.4 (MANE Select); coding-DNA position 1084, C replaced by A.
Protein change: p.Gln362Lys; replaces glutamine 362 with lysine.
Molecular consequence: missense variant.
Genome position (GRCh38, 1-based): chr3:93,893,004, G>T on the plus strand (C>A on the coding strand, the complement: PROS1 is on the minus strand). VCF-style: chr3-93893004-G-T. GRCh37 (hg19) VCF-style: chr3-93611848-G-T.
Other names: c.1180C>A, p.Gln394Lys (NM_001314077.2); short protein forms Q362K, Q394K.
Identifiers: ClinVar variation 581529 (VCV000581529.5), dbSNP rs1559931820, ClinGen allele CA353672237.